The following is an entry in ClinVar:

NM_144672.4(OTOA):c.981-125T>C

Gene: OTOA (otoancorin). Cytogenetic location: 16p12.2.
Variant type: single nucleotide variant.
Coding change: c.981-125T>C on transcript NM_144672.4 (MANE Select); 125 bases into the intron before coding-DNA position 981, T replaced by C.
Molecular consequence: intron variant.
Genome position (GRCh38, 1-based): chr16:21,705,044, T>C. VCF-style: chr16-21705044-T-C. GRCh37 (hg19) VCF-style: chr16-21716365-T-C.
Other names: c.744-125T>C (NM_001161683.2); c.8+7T>C (NM_170664.3).
Identifiers: ClinVar variation 227751 (VCV000227751.5), dbSNP rs201435154, ClinGen allele CA7952500.

ClinVar aggregate classification (germline): Likely benign (1 of 4 stars; one submission).

Allele frequency attached by ClinVar (database versions not stated): ExAC 0.00003; gnomAD 0.00003 and 0.00004; gnomAD exomes 0.00003; TOPMed 0.00003; ESP Exome Variant Server 0.00008; 1000 Genomes Project 30x 0.00016; 1000 Genomes Project 0.00020.
gnomAD v4.1: 98 of 1,469,988 alleles (0.0067%); highest among the groups gnomAD compares: Non-Finnish European, 0.0089%; no homozygotes.

Submission:

Laboratory for Molecular Medicine, Mass General Brigham Personalized Medicine
Classification: Likely benign. Last evaluated: 2015-04-21. Review status: criteria provided, single submitter. Criteria: LMM Criteria. Collection method: clinical testing. Allele origin: germline. Observed: 1 variant allele.
Comment: c.8+7T>C in intron 1 of OTOA: This variant is not expected to have clinical sig nificance because it is not located within the splice consensus sequence and spl ice prediction tools do not suggest an impact to splicing. It has been identifie d in 3/66738 European chromosomes by the Exome Aggregation Consortium (ExAC; dbSNP rs201435154).